The following is an entry in ClinVar:

NM_005632.3(CAPN15):c.2571C>T (p.Phe857=)

Gene: CAPN15 (calpain 15; plus strand). Cytogenetic location: 16p13.3.
Variant type: single nucleotide variant.
Coding change: c.2571C>T on transcript NM_005632.3 (MANE Select); coding-DNA position 2571, C replaced by T.
Protein change: p.Phe857=; no amino-acid change (phenylalanine 857 retained).
Molecular consequence: synonymous variant.
Genome position (GRCh38, 1-based): chr16:552,364, C>T. VCF-style: chr16-552364-C-T. GRCh37 (hg19) VCF-style: chr16-602364-C-T.
Other names: c.2571C>T (NM_005632.2).
Identifiers: ClinVar variation 3025028 (VCV003025028.23), dbSNP rs199859872, ClinGen allele CA7778827.
Genomic context (GRCh38, chr16:552,364, plus strand): 5'-CTCGGACGCCGTGGACAGCCACCTGCTGGACCTGTGCATCCTGGTGTTCCGGGCCACGTT[C>T]GGCAGCGGCGGCCACCTCAGCCTGGGCCGCCTCCTGGCCCACAGTAAGCGCGCGGTCAAG-3'
Protein context (NP_005623.1, residues 847-867): DLCILVFRAT[Phe857=]GSGGHLSLGR

ClinVar aggregate classification (germline): Likely benign. Review status: criteria provided, single submitter (1 of 4 stars). 2 submissions from 2 submitters: Likely benign (1). 1 of the submissions does not count toward it. Last evaluated 2026-02-01.

Conditions:
CAPN15-related disorder. Also called: CAPN15-related condition.

Allele frequency attached by ClinVar (database versions not stated): ExAC 0.00193; 1000 Genomes Project 30x 0.00265; 1000 Genomes Project 0.00280; gnomAD 0.00379; ESP Exome Variant Server 0.00408; TOPMed 0.00463.
gnomAD v4.1: 1,196 of 1,599,028 alleles (0.075%); highest among the groups gnomAD compares: African/African-American, 1.2%; 9 homozygotes.

Submissions (2):

CeGaT Center for Human Genetics Tuebingen
Classification: Likely benign. Last evaluated: 2026-02-01. Review status: criteria provided, single submitter. Criteria: CeGaT Center For Human Genetics Tuebingen Variant Classification Criteria Version 2. Collection method: clinical testing. Allele origin: germline. Affected: yes. Observed: 2 variant alleles.
Comment: CAPN15: BP4, BP7, BS1

PreventionGenetics, part of Exact Sciences
Classification: Benign for CAPN15-related condition. Last evaluated: 2020-01-20. Review status: no assertion criteria provided. Collection method: clinical testing. Allele origin: germline. Not counted in ClinVar's aggregate classification.
Comment: This variant is classified as benign based on ACMG/AMP sequence variant interpretation guidelines (Richards et al. 2015 PMID: 25741868, with internal and published modifications).